The following is an entry in ClinVar:

ClinVar aggregate classification (germline): Likely benign (1 of 4 stars; one submission).

gnomAD v4.1: 6 of 1,529,982 alleles (0.00039%); highest among the groups gnomAD compares: Middle Eastern, 0.034%; no homozygotes.

Submission:

Center for Genomic Medicine, Rigshospitalet, Copenhagen University Hospital
Classification: Likely benign. Last evaluated: 2025-12-29. Review status: criteria provided, single submitter. Criteria: ACMG Guidelines, 2015. Collection method: clinical testing. Allele origin: germline.
Comment: Classification criteria: BP4, BP7

NM_000038.6(APC):c.933+35C>T

Gene: APC (APC regulator of Wnt signaling pathway; plus strand). Cytogenetic location: 5q22.2.
Variant type: single nucleotide variant.
Coding change: c.933+35C>T on transcript NM_000038.6 (MANE Select); 35 bases into the intron after coding-DNA position 933, C replaced by T.
Molecular consequence: intron variant.
Genome position (GRCh38, 1-based): chr5:112,815,628, C>T. VCF-style: chr5-112815628-C-T. GRCh37 (hg19) VCF-style: chr5-112151325-C-T.
Other names: c.84+35C>T (NM_001407470.1, NM_001407472.1, NM_001354906.2 and 1 more transcripts); c.933+35C>T (NM_001407447.1, NM_001354895.2, NM_001407456.1 and 12 more transcripts); c.849+35C>T (NM_001407452.1, NM_001407469.1, NM_001354899.2 and 1 more transcripts); c.963+35C>T (NM_001407446.1, NM_001354897.2, NM_001354902.2); c.879+35C>T (NM_001127511.3); c.756+35C>T (NM_001407453.1, NM_001354900.2, NM_001354901.2 and 1 more transcripts); c.858+35C>T (NM_001407451.1, NM_001354898.2, NM_001354904.2).
Identifiers: ClinVar variation 4539450 (VCV004539450.1).